The following is an entry in ClinVar:

NM_031433.4(MFRP):c.807G>A (p.Gln269=)

Genes: C1QTNF5 (C1q and TNF related 5; minus strand), MFRP (membrane frizzled-related protein; minus strand). Cytogenetic location: 11q23.3.
Variant type: single nucleotide variant.
Coding change: c.807G>A on transcript NM_031433.4 (MANE Select); coding-DNA position 807, G replaced by A.
Protein change: p.Gln269=; no amino-acid change (glutamine 269 retained).
Molecular consequence: synonymous variant. On other transcripts: 5 prime UTR variant (1).
Genome position (GRCh38, 1-based): chr11:119,344,723, C>T on the plus strand (G>A on the coding strand, the complement: MFRP is on the minus strand). VCF-style: chr11-119344723-C-T. GRCh37 (hg19) VCF-style: chr11-119215433-C-T.
Other names: c.-1830G>A (NM_015645.5).
Identifiers: ClinVar variation 302964 (VCV000302964.17), dbSNP rs371537663, ClinGen allele CA6320382.

ClinVar aggregate classification (germline): Conflicting classifications of pathogenicity. Review status: criteria provided, conflicting classifications (1 of 4 stars). 4 submissions from 3 submitters: Uncertain significance (1); Benign (1); Likely benign (2). Last evaluated 2025-09-14.

Conditions:
Isolated microphthalmia 5. Also called: Posterior Microphthalmia with Retinitis Pigmentosa, Foveoschisis, and Optic Disc Drusen. Identifiers: Orphanet 251279, MedGen C1970236, MONDO:0012605, OMIM 611040.
Late-onset retinal degeneration (LORD). Also called: RETINAL DEGENERATION, LATE-ONSET, AUTOSOMAL DOMINANT. Identifiers: Orphanet 67042, MedGen C1854065, MONDO:0011579, OMIM 605670. Disease mechanism: loss of function.

Allele frequency attached by ClinVar (database versions not stated): TOPMed 0.00006; ExAC 0.00034; gnomAD exomes 0.00011 and 0.00029; 1000 Genomes Project 30x 0.00078; gnomAD 0.00011 and 0.00003; ESP Exome Variant Server 0.00008; 1000 Genomes Project 0.00060.
gnomAD v4.1: 181 of 1,614,024 alleles (0.011%); highest among the groups gnomAD compares: South Asian, 0.17%; no homozygotes.

Submissions (4):

Labcorp Genetics (formerly Invitae), Labcorp
Classification: Benign for Isolated microphthalmia 5. Last evaluated: 2025-09-14. Review status: criteria provided, single submitter. Criteria: Invitae Variant Classification Sherloc (09022015). Collection method: clinical testing. Allele origin: germline.

Blueprint Genetics
Classification: Likely benign. Last evaluated: 2022-08-29. Review status: criteria provided, single submitter. Criteria: ACMG Guidelines, 2015. Collection method: clinical testing. Allele origin: germline.

Illumina Laboratory Services, Illumina
Classification: Likely benign for Late-onset retinal degeneration. Last evaluated: 2018-01-13. Review status: criteria provided, single submitter. Criteria: ICSL Variant Classification Criteria 13 December 2019. Collection method: clinical testing. Allele origin: germline.
Comment: This variant was observed in the ICSL laboratory as part of a predisposition screen in an ostensibly healthy population. It had not been previously curated by ICSL or reported in the Human Gene Mutation Database (HGMD: prior to June 1st, 2018), and was therefore a candidate for classification through an automated scoring system. Utilizing variant allele frequency, disease prevalence and penetrance estimates, and inheritance mode, an automated score was calculated to assess if this variant is too frequent to cause the disease. Based on the score and internal cut-off values, a variant classified as likely benign is not then subjected to further curation. The score for this variant resulted in a classification of likely benign for this disease.

Illumina Laboratory Services, Illumina
Classification: Uncertain significance for Isolated microphthalmia 5. Last evaluated: 2018-01-12. Review status: criteria provided, single submitter. Criteria: ICSL Variant Classification Criteria 13 December 2019. Collection method: clinical testing. Allele origin: germline.